The following is an entry in ClinVar:

NM_021098.3(CACNA1H):c.4752G>T (p.Arg1584Ser)

Gene: CACNA1H (calcium voltage-gated channel subunit alpha1 H; plus strand). Cytogenetic location: 16p13.3.
Variant type: single nucleotide variant.
Coding change: c.4752G>T on transcript NM_021098.3 (MANE Select); coding-DNA position 4752, G replaced by T.
Protein change: p.Arg1584Ser; replaces arginine 1584 with serine.
Molecular consequence: missense variant.
Genome position (GRCh38, 1-based): chr16:1,212,131, G>T. VCF-style: chr16-1212131-G-T. GRCh37 (hg19) VCF-style: chr16-1262131-G-T.
Other names: c.4752G>T, p.Arg1584Ser (NM_001005407.2); short protein forms R1584S.
Identifiers: ClinVar variation 2004810 (VCV002004810.4), dbSNP rs2548708427, ClinGen allele CA394181227.

ClinVar aggregate classification (germline): Uncertain significance (1 of 4 stars; one submission).

Conditions:
Idiopathic generalized epilepsy. Also called: Generalised epilepsy; EIG. Identifiers: MedGen C0270850, MONDO:0005579, OMIM 600669.
Hyperaldosteronism, familial, type IV (HALD4). Also called: FH IV; ALDOSTERONISM, PRIMARY, AND HYPERTENSION. Identifiers: Orphanet 642671, MedGen C4310756, MONDO:0014875, OMIM 617027.

Submission:

Labcorp Genetics (formerly Invitae), Labcorp
Classification: Uncertain significance for Idiopathic generalized epilepsy; Hyperaldosteronism, familial, type IV. Last evaluated: 2022-06-11. Review status: criteria provided, single submitter. Criteria: Invitae Variant Classification Sherloc (09022015). Collection method: clinical testing. Allele origin: germline.
Comment: This sequence change replaces arginine, which is basic and polar, with serine, which is neutral and polar, at codon 1584 of the CACNA1H protein (p.Arg1584Ser). This variant is not present in population databases (gnomAD no frequency). This variant has not been reported in the literature in individuals affected with CACNA1H-related conditions. Advanced modeling of protein sequence and biophysical properties (such as structural, functional, and spatial information, amino acid conservation, physicochemical variation, residue mobility, and thermodynamic stability) performed at Invitae indicates that this missense variant is not expected to disrupt CACNA1H protein function. In summary, the available evidence is currently insufficient to determine the role of this variant in disease. Therefore, it has been classified as a Variant of Uncertain Significance.